The following is an entry in ClinVar:

ClinVar aggregate classification (germline): Uncertain significance (1 of 4 stars; one submission).

Conditions:
Cranium bifidum occultum. Also called: CRANIUM BIFIDUM, HEREDITARY; CATLIN MARKS; Enlarged Parietal Foramina. Identifiers: MedGen C1868598, HP:0004423.

Allele frequency attached by ClinVar (database versions not stated): gnomAD exomes below 0.00001; TOPMed below 0.00001; ExAC 0.00001; gnomAD 0.00001.
gnomAD v4.1: 2 of 1,614,010 alleles (0.00012%); highest among the groups gnomAD compares: Admixed American, 0.0017%; no homozygotes.

Submission:

Labcorp Genetics (formerly Invitae), Labcorp
Classification: Uncertain significance for Cranium bifidum occultum. Last evaluated: 2023-12-27. Review status: criteria provided, single submitter. Criteria: Invitae Variant Classification Sherloc (09022015). Collection method: clinical testing. Allele origin: germline.
Comment: This sequence change replaces serine, which is neutral and polar, with phenylalanine, which is neutral and non-polar, at codon 218 of the MSX2 protein (p.Ser218Phe). This variant is present in population databases (rs760162567, gnomAD 0.003%). This variant has not been reported in the literature in individuals affected with MSX2-related conditions. Advanced modeling of protein sequence and biophysical properties (such as structural, functional, and spatial information, amino acid conservation, physicochemical variation, residue mobility, and thermodynamic stability) performed at Invitae indicates that this missense variant is not expected to disrupt MSX2 protein function with a negative predictive value of 80%. In summary, the available evidence is currently insufficient to determine the role of this variant in disease. Therefore, it has been classified as a Variant of Uncertain Significance.

NM_002449.5(MSX2):c.653C>T (p.Ser218Phe)

Gene: MSX2 (msh homeobox 2; plus strand). Cytogenetic location: 5q35.2.
Variant type: single nucleotide variant.
Coding change: c.653C>T on transcript NM_002449.5 (MANE Select); coding-DNA position 653, C replaced by T.
Protein change: p.Ser218Phe; replaces serine 218 with phenylalanine.
Molecular consequence: missense variant. On other transcripts: 3 prime UTR variant (1).
Genome position (GRCh38, 1-based): chr5:174,729,432, C>T. VCF-style: chr5-174729432-C-T. GRCh37 (hg19) VCF-style: chr5-174156435-C-T.
Other names: c.*277C>T (NM_001363626.2); short protein forms S218F.
Identifiers: ClinVar variation 2787587 (VCV002787587.3), dbSNP rs760162567, ClinGen allele CA3565239.